The following is an entry in ClinVar:

NM_001184.4(ATR):c.5197A>C (p.Ile1733Leu)

Gene: ATR (ATR checkpoint kinase; minus strand). Cytogenetic location: 3q23.
Variant type: single nucleotide variant.
Coding change: c.5197A>C on transcript NM_001184.4 (MANE Select); coding-DNA position 5197, A replaced by C.
Protein change: p.Ile1733Leu; replaces isoleucine 1733 with leucine.
Molecular consequence: missense variant.
Genome position (GRCh38, 1-based): chr3:142,503,453, T>G on the plus strand (A>C on the coding strand, the complement: ATR is on the minus strand). VCF-style: chr3-142503453-T-G. GRCh37 (hg19) VCF-style: chr3-142222295-T-G.
Other names: c.5005A>C, p.Ile1669Leu (NM_001354579.2); short protein forms I1669L, I1733L.
Identifiers: ClinVar variation 1745944 (VCV001745944.2), dbSNP rs2473182887, ClinGen allele CA354818635.
Genomic context (GRCh38, chr3:142,503,453, plus strand): 5'-TAACAGTAGACAGCTGACCAAGACCTAACATGGACTTTACTACACCATGATAATGAATGA[T>G]CTAGAAATTTAAAAATATTTAAAATAGCAATTATCACTTCAATAATAGCTTGGGGACCAA-3'
Protein context (NP_001175.2, residues 1723-1743): DRAIQLEPDQ[Ile1733Leu]IHYHGVVKSM

ClinVar aggregate classification (germline): Uncertain significance (1 of 4 stars; one submission).

Conditions:
Inborn genetic diseases. Identifiers: MedGen C0950123, MeSH D030342.

Submission:

Ambry Genetics
Classification: Uncertain significance for Inborn genetic diseases. Last evaluated: 2022-03-16. Review status: criteria provided, single submitter. Criteria: Ambry Variant Classification Scheme 2023. Collection method: clinical testing. Allele origin: germline.
Comment: The p.I1733L variant (also known as c.5197A>C) is located in coding exon 30 of the ATR gene. The isoleucine at codon 1733 is replaced by leucine, an amino acid with highly similar properties. This change occurs in the first base pair of coding exon 30. This amino acid position is conserved. In addition, this alteration is predicted to be tolerated by in silico analysis. Since supporting evidence is limited at this time, the clinical significance of this alteration remains unclear.